The following is an entry in ClinVar:

NM_152383.5(DIS3L2):c.1486C>T (p.His496Tyr)

Gene: DIS3L2 (DIS3 like 3'-5' exoribonuclease 2; plus strand). Cytogenetic location: 2q37.1.
Variant type: single nucleotide variant.
Coding change: c.1486C>T on transcript NM_152383.5 (MANE Select); coding-DNA position 1486, C replaced by T.
Protein change: p.His496Tyr; replaces histidine 496 with tyrosine.
Molecular consequence: missense variant. On other transcripts: non-coding transcript variant (2).
Genome position (GRCh38, 1-based): chr2:232,263,267, C>T. VCF-style: chr2-232263267-C-T. GRCh37 (hg19) VCF-style: chr2-233127977-C-T.
Other names: c.1486C>T, p.His496Tyr (NM_001257281.2); short protein forms H496Y.
Identifiers: ClinVar variation 2192732 (VCV002192732.4), dbSNP rs2470079121, ClinGen allele CA350975322.
Genomic context (GRCh38, chr2:232,263,267, plus strand): 5'-ATCCTTGATGAATGGTTTGGCCGGACCATCATCCGCTCCTGCACCAAACTTAGCTACGAG[C>T]ATGCACAGAGCATGATTGAAAGCCCAACTGAGAAAATCCCTGCGAAAGAGCTGCCCCCCA-3'
Protein context (NP_689596.4, residues 486-506): IRSCTKLSYE[His496Tyr]AQSMIESPTE

ClinVar aggregate classification (germline): Uncertain significance (1 of 4 stars; one submission).

Conditions:
Perlman syndrome (PRLMNS). Identifiers: Orphanet 2849, MedGen C0796113, MONDO:0009965, OMIM 267000.

Submission:

Labcorp Genetics (formerly Invitae), Labcorp
Classification: Uncertain significance for Perlman syndrome. Last evaluated: 2022-05-30. Review status: criteria provided, single submitter. Criteria: Invitae Variant Classification Sherloc (09022015). Collection method: clinical testing. Allele origin: germline.
Comment: In summary, the available evidence is currently insufficient to determine the role of this variant in disease. Therefore, it has been classified as a Variant of Uncertain Significance. Algorithms developed to predict the effect of missense changes on protein structure and function are either unavailable or do not agree on the potential impact of this missense change (SIFT: "Deleterious"; PolyPhen-2: "Probably Damaging"; Align-GVGD: "Class C0"). This variant has not been reported in the literature in individuals affected with DIS3L2-related conditions. This variant is not present in population databases (gnomAD no frequency). This sequence change replaces histidine, which is basic and polar, with tyrosine, which is neutral and polar, at codon 496 of the DIS3L2 protein (p.His496Tyr).